The following is an entry in ClinVar:

NM_000075.4(CDK4):c.755G>C (p.Arg252Thr)

Genes: CDK4 (cyclin dependent kinase 4; minus strand), TSPAN31 (tetraspanin 31; plus strand). Cytogenetic location: 12q14.1.
Variant type: single nucleotide variant.
Coding change: c.755G>C on transcript NM_000075.4 (MANE Select); coding-DNA position 755, G replaced by C.
Protein change: p.Arg252Thr; replaces arginine 252 with threonine.
Molecular consequence: missense variant. On other transcripts: 3 prime UTR variant (3).
Genome position (GRCh38, 1-based): chr12:57,749,246, C>G on the plus strand (G>C on the coding strand, the complement: CDK4 is on the minus strand). VCF-style: chr12-57749246-C-G. GRCh37 (hg19) VCF-style: chr12-58143029-C-G.
Other names: c.*1956C>G (NM_001330168.2, NM_001330169.2, NM_005981.5); short protein forms R252T.
Identifiers: ClinVar variation 3999646 (VCV003999646.1).

ClinVar aggregate classification (germline): Uncertain significance (1 of 4 stars; one submission).

Conditions:
Hereditary cancer-predisposing syndrome. Also called: Tumor predisposition; Hereditary neoplastic syndrome; Neoplastic Syndromes, Hereditary; Hereditary Cancer Syndrome. Identifiers: Orphanet 140162, MedGen C0027672, MeSH D009386, MONDO:0015356.

Submission:

Ambry Genetics
Classification: Uncertain significance for Hereditary cancer-predisposing syndrome. Last evaluated: 2025-05-27. Review status: criteria provided, single submitter. Criteria: Ambry Variant Classification Scheme 2023. Collection method: clinical testing. Allele origin: germline.
Comment: The p.R252T variant (also known as c.755G>C), located in coding exon 6 of the CDK4 gene, results from a G to C substitution at nucleotide position 755. The arginine at codon 252 is replaced by threonine, an amino acid with similar properties. This amino acid position is not well conserved in available vertebrate species. In addition, this alteration is predicted to be tolerated by in silico analysis. Based on the available evidence, the clinical significance of this variant remains unclear.